The following is an entry in ClinVar:

NM_000245.4(MET):c.3282T>G (p.His1094Gln)

Gene: MET (MET proto-oncogene, receptor tyrosine kinase; plus strand). Cytogenetic location: 7q31.2.
Variant type: single nucleotide variant.
Coding change: c.3282T>G on transcript NM_000245.4 (MANE Select); coding-DNA position 3282, T replaced by G.
Protein change: p.His1094Gln; replaces histidine 1094 with glutamine.
Molecular consequence: missense variant.
Genome position (GRCh38, 1-based): chr7:116,777,411, T>G. VCF-style: chr7-116777411-T-G. GRCh37 (hg19) VCF-style: chr7-116417465-T-G.
Other names: c.3336T>G (NM_001127500.1); c.3336T>G, p.His1112Gln (NM_001127500.3); c.1992T>G, p.His664Gln (NM_001324402.2); short protein forms H664Q, H1094Q, H1112Q.
Identifiers: ClinVar variation 1356298 (VCV001356298.10), dbSNP rs1185332869, ClinGen allele CA368989602.

ClinVar aggregate classification (germline): Uncertain significance. Review status: criteria provided, multiple submitters, no conflicts (2 of 4 stars). 2 submissions from 2 submitters: Uncertain significance (2). Last evaluated 2025-04-24.

Conditions:
Hereditary cancer-predisposing syndrome. Also called: Neoplastic Syndromes, Hereditary; Tumor predisposition; Hereditary neoplastic syndrome; Hereditary Cancer Syndrome. Identifiers: Orphanet 140162, MedGen C0027672, MeSH D009386, MONDO:0015356.
Renal cell carcinoma. Identifiers: Orphanet 217071, MedGen C0007134, MeSH D002292, MONDO:0005086, HP:0005584.

Allele frequency attached by ClinVar (database versions not stated): TOPMed 0.00001.

Submissions (2):

Ambry Genetics
Classification: Uncertain significance for Hereditary cancer-predisposing syndrome. Last evaluated: 2025-04-24. Review status: criteria provided, single submitter. Criteria: Ambry Variant Classification Scheme 2023. Collection method: clinical testing. Allele origin: germline.
Comment: The p.H1112Q variant (also known as c.3336T>G), located in coding exon 15 of the MET gene, results from a T to G substitution at nucleotide position 3336. The histidine at codon 1112 is replaced by glutamine, an amino acid with highly similar properties. This amino acid position is highly conserved in available vertebrate species. In addition, the in silico prediction for this alteration is inconclusive. Based on the available evidence, the clinical significance of this variant remains unclear.

Labcorp Genetics (formerly Invitae), Labcorp
Classification: Uncertain significance for Renal cell carcinoma. Last evaluated: 2024-04-23. Review status: criteria provided, single submitter. Criteria: Invitae Variant Classification Sherloc (09022015). Collection method: clinical testing. Allele origin: germline.
Comment: This sequence change replaces histidine, which is basic and polar, with glutamine, which is neutral and polar, at codon 1112 of the MET protein (p.His1112Gln). This variant is not present in population databases (gnomAD no frequency). This variant has not been reported in the literature in individuals affected with MET-related conditions. ClinVar contains an entry for this variant (Variation ID: 1356298). Advanced modeling of protein sequence and biophysical properties (such as structural, functional, and spatial information, amino acid conservation, physicochemical variation, residue mobility, and thermodynamic stability) performed at Invitae indicates that this missense variant is expected to disrupt MET protein function with a positive predictive value of 80%. This variant disrupts the p.His1112 amino acid residue in MET. Other variant(s) that disrupt this residue have been determined to be pathogenic (PMID: 9563489, 10327054, 23213094). This suggests that this residue is clinically significant, and that variants that disrupt this residue are likely to be disease-causing. In summary, the available evidence is currently insufficient to determine the role of this variant in disease. Therefore, it has been classified as a Variant of Uncertain Significance.

Literature cited by the submitters: PubMed 9563489 (cited by Labcorp Genetics (formerly Invitae), Labcorp); PubMed 10327054 (cited by Labcorp Genetics (formerly Invitae), Labcorp); PubMed 23213094 (cited by Labcorp Genetics (formerly Invitae), Labcorp).